The following is an entry in ClinVar:

NM_199242.3(UNC13D):c.3215G>C (p.Arg1072Thr)

Gene: UNC13D (unc-13 homolog D; minus strand). Cytogenetic location: 17q25.1.
Variant type: single nucleotide variant.
Coding change: c.3215G>C on transcript NM_199242.3 (MANE Select); coding-DNA position 3215, G replaced by C.
Protein change: p.Arg1072Thr; replaces arginine 1072 with threonine.
Molecular consequence: missense variant.
Genome position (GRCh38, 1-based): chr17:75,828,023, C>G on the plus strand (G>C on the coding strand, the complement: UNC13D is on the minus strand). VCF-style: chr17-75828023-C-G. GRCh37 (hg19) VCF-style: chr17-73824104-C-G.
Other names: short protein forms R1072T.
Identifiers: ClinVar variation 2005239 (VCV002005239.4), dbSNP rs1189424982, ClinGen allele CA401073701.

ClinVar aggregate classification (germline): Uncertain significance (1 of 4 stars; one submission).

Conditions:
Familial hemophagocytic lymphohistiocytosis 3 (FHL3). Also called: UNC13D-Related Familial Hemophagocytic Lymphohistiocytosis (UNC13D-fHLH). Identifiers: Orphanet 540, MedGen C1837174, MONDO:0012146, OMIM 608898.

gnomAD v4.1: 2 of 1,591,046 alleles (0.00013%); highest among the groups gnomAD compares: Non-Finnish European, 0.00017%; no homozygotes.

Submission:

Labcorp Genetics (formerly Invitae), Labcorp
Classification: Uncertain significance for Familial hemophagocytic lymphohistiocytosis 3. Last evaluated: 2022-06-12. Review status: criteria provided, single submitter. Criteria: Invitae Variant Classification Sherloc (09022015). Collection method: clinical testing. Allele origin: germline.
Comment: In summary, the available evidence is currently insufficient to determine the role of this variant in disease. Therefore, it has been classified as a Variant of Uncertain Significance. This sequence change replaces arginine, which is basic and polar, with threonine, which is neutral and polar, at codon 1072 of the UNC13D protein (p.Arg1072Thr). Algorithms developed to predict the effect of missense changes on protein structure and function are either unavailable or do not agree on the potential impact of this missense change (SIFT: "Not Available"; PolyPhen-2: "Benign"; Align-GVGD: "Not Available"). This variant has not been reported in the literature in individuals affected with UNC13D-related conditions. This variant is not present in population databases (gnomAD no frequency).